The following is an entry in ClinVar:

ClinVar aggregate classification (germline): Uncertain significance (1 of 4 stars; one submission).

Submission:

Ambry Genetics
Classification: Uncertain significance. Last evaluated: 2026-01-19. Review status: criteria provided, single submitter. Criteria: Ambry Variant Classification Scheme 2023. Collection method: clinical testing. Allele origin: germline.
Comment: The p.K536E variant (also known as c.1606A>G), located in coding exon 1 of the TET2 gene, results from an A to G substitution at nucleotide position 1606. The lysine at codon 536 is replaced by glutamic acid, an amino acid with similar properties. This amino acid position is conserved. In addition, this alteration is predicted to be tolerated by in silico analysis. Based on the available evidence, the clinical significance of this variant remains unclear.

NM_001127208.3(TET2):c.1606A>G (p.Lys536Glu)

Genes: TET2-AS1 (TET2 antisense RNA 1; minus strand), TET2 (tet methylcytosine dioxygenase 2; plus strand). Cytogenetic location: 4q24.
Variant type: single nucleotide variant.
Coding change: c.1606A>G on transcript NM_001127208.3 (MANE Select); coding-DNA position 1606, A replaced by G.
Protein change: p.Lys536Glu; replaces lysine 536 with glutamic acid.
Molecular consequence: missense variant.
Genome position (GRCh38, 1-based): chr4:105,235,548, A>G. VCF-style: chr4-105235548-A-G. GRCh37 (hg19) VCF-style: chr4-106156705-A-G.
Other names: c.1606A>G, p.Lys536Glu (NM_017628.4); short protein forms K536E.
Identifiers: ClinVar variation 4824998 (VCV004824998.1).